The following is an entry in ClinVar:

NM_130810.4(DNAAF4):c.1111C>T (p.Arg371Ter)

Genes: DNAAF4 (dynein axonemal assembly factor 4; minus strand), DNAAF4-CCPG1 (DNAAF4-CCPG1 readthrough (NMD candidate); minus strand). Cytogenetic location: 15q21.3.
Variant type: single nucleotide variant.
Coding change: c.1111C>T on transcript NM_130810.4 (MANE Select); coding-DNA position 1111, C replaced by T.
Protein change: p.Arg371Ter; replaces arginine 371 with a stop codon.
Molecular consequence: nonsense. On other transcripts: non-coding transcript variant (1), intron variant (2).
Genome position (GRCh38, 1-based): chr15:55,432,539, G>A on the plus strand (C>T on the coding strand, the complement: DNAAF4 is on the minus strand). VCF-style: chr15-55432539-G-A. GRCh37 (hg19) VCF-style: chr15-55724737-G-A.
Other names: c.1047+2366C>T (NM_001033560.2); c.1048-1760C>T (NM_001033559.3); short protein forms R371*.
Identifiers: ClinVar variation 915323 (VCV000915323.5), dbSNP rs774796257, ClinGen allele CA7574819.

ClinVar aggregate classification (germline): Pathogenic/Likely pathogenic. Review status: criteria provided, multiple submitters, no conflicts (2 of 4 stars). 3 submissions from 3 submitters: Pathogenic (2); Likely pathogenic (1). Last evaluated 2025-11-24.

Conditions:
Dyslexia, susceptibility to, 1. Also called: READING DISABILITY, SPECIFIC, 1; WORD-BLINDNESS, CONGENITAL. Identifiers: MedGen C1851967, MONDO:0007487, OMIM 127700.

Allele frequency attached by ClinVar (database versions not stated): gnomAD exomes below 0.00001 and 0.00002; ExAC 0.00001; gnomAD 0.00001; TOPMed 0.00001.

Submissions (3):

Labcorp Genetics (formerly Invitae), Labcorp
Classification: Pathogenic. Last evaluated: 2025-11-24. Review status: criteria provided, single submitter. Criteria: Invitae Variant Classification Sherloc (09022015). Collection method: clinical testing. Allele origin: germline.
Comment: This sequence change creates a premature translational stop signal (p.Arg371*) in the DNAAF4 gene. While this is not anticipated to result in nonsense mediated decay, it is expected to disrupt the last 50 amino acid(s) of the DNAAF4 protein. This variant is present in population databases (rs774796257, gnomAD 0.002%). This premature translational stop signal has been observed in individual(s) with primary ciliary dyskinesia (PMID: 34401452). ClinVar contains an entry for this variant (Variation ID: 915323). Algorithms developed to predict the effect of sequence changes on RNA splicing suggest that this variant may disrupt the consensus splice site. This variant disrupts a region of the DNAAF4 protein in which other variant(s) (p.Gly373Glu) have been determined to be pathogenic (PMID: 36583018; internal data). This suggests that this is a clinically significant region of the protein, and that variants that disrupt it are likely to be disease-causing. For these reasons, this variant has been classified as Pathogenic.

Genomic Medicine Center of Excellence, King Faisal Specialist Hospital and Research Centre
Classification: Likely pathogenic for Dyslexia, susceptibility to, 1. Last evaluated: 2025-09-10. Review status: criteria provided, single submitter. Criteria: ACMG Guidelines, 2015. Collection method: clinical testing. Allele origin: germline.

Genomic Research Center, Shahid Beheshti University of Medical Sciences
Classification: Pathogenic. Last evaluated: 2020-05-03. Review status: criteria provided, single submitter. Criteria: ACMG Guidelines, 2015. Collection method: clinical testing. Allele origin: unknown. Affected: no.

Literature cited by the submitters: PubMed 34401452 (cited by Labcorp Genetics (formerly Invitae), Labcorp); PubMed 36583018 (cited by Labcorp Genetics (formerly Invitae), Labcorp).